The following is an entry in ClinVar:

NM_001854.4(COL11A1):c.1190dup (p.Pro397_Asn398insTer)

Gene: COL11A1 (collagen type XI alpha 1 chain; minus strand). Cytogenetic location: 1p21.1.
Variant type: Duplication.
Coding change: c.1190dup on transcript NM_001854.4 (MANE Select); coding-DNA position 1190, one base duplicated (C; older notation c.1190dupC).
Protein change: p.Pro397_Asn398insTer.
Molecular consequence: frameshift variant. On other transcripts: non-coding transcript variant (1), intron variant (1).
Genome position (GRCh38, 1-based): chr1:103,022,797, G duplicated on the plus strand (C on the coding strand, the reverse complement: COL11A1 is on the minus strand); the first of 6 consecutive G bases (chr1:103,022,797-103,022,802); duplicating any one gives the same sequence. VCF-style (leftmost placement, unchanged base first): chr1-103022796-A-AG. GRCh37 (hg19) VCF-style: chr1-103488352-A-AG.
Other names: c.1073dup, p.Pro358_Asn359insTer (NM_001190709.2); c.1226dup, p.Pro409_Asn410insTer (NM_080629.3); c.898-1028dup (NM_080630.4); c.1190dupC (NM_001854.3).
Identifiers: ClinVar variation 546394 (VCV000546394.9), dbSNP rs1343199316, ClinGen allele CA525178199.

ClinVar aggregate classification (germline): Pathogenic/Likely pathogenic. Review status: criteria provided, multiple submitters, no conflicts (2 of 4 stars). 2 submissions from 2 submitters: Pathogenic (1); Likely pathogenic (1). Last evaluated 2025-12-31.

Submissions (2):

GeneDx
Classification: Likely pathogenic. Last evaluated: 2025-12-31. Review status: criteria provided, single submitter. Criteria: GeneDx Variant Classification Process June 2021. Collection method: clinical testing. Allele origin: germline. Affected: yes.
Comment: Nonsense variant predicted to result in protein truncation or nonsense mediated decay in a gene for which loss of function is a known mechanism of disease; Not observed at significant frequency in large population cohorts (gnomAD); Has not been previously published as pathogenic or benign to our knowledge

Labcorp Genetics (formerly Invitae), Labcorp
Classification: Pathogenic. Last evaluated: 2025-08-19. Review status: criteria provided, single submitter. Criteria: Invitae Variant Classification Sherloc (09022015). Collection method: clinical testing. Allele origin: germline.
Comment: This sequence change creates a premature translational stop signal (p.Asn398*) in the COL11A1 gene. It is expected to result in an absent or disrupted protein product. Loss-of-function variants in COL11A1 are known to be pathogenic (PMID: 20513134, 21035103, 23922384, 25240749, 32427345, 32756486). This variant is present in population databases (no rsID available, gnomAD 0.007%). This variant has not been reported in the literature in individuals affected with COL11A1-related conditions. ClinVar contains an entry for this variant (Variation ID: 546394). For these reasons, this variant has been classified as Pathogenic.

Literature cited by the submitters: PubMed 20513134 (cited by Labcorp Genetics (formerly Invitae), Labcorp); PubMed 21035103 (cited by Labcorp Genetics (formerly Invitae), Labcorp); PubMed 23922384 (cited by Labcorp Genetics (formerly Invitae), Labcorp); PubMed 25240749 (cited by Labcorp Genetics (formerly Invitae), Labcorp); PubMed 32427345 (cited by Labcorp Genetics (formerly Invitae), Labcorp); PubMed 32756486 (cited by Labcorp Genetics (formerly Invitae), Labcorp).